The following is an entry in ClinVar:

GRCh38/hg38 3p26.3(chr3:2301168-2754945)x3

Genes: CNTN4 (contactin 4; plus strand), LOC107522028 (meiotic recombination hotspot T; plus strand), LOC129936036 (ATAC-STARR-seq lymphoblastoid active region 19334; plus strand), LOC129936037 (ATAC-STARR-seq lymphoblastoid active region 19335; plus strand), LOC129936038 (ATAC-STARR-seq lymphoblastoid active region 19336; plus strand) and 1 more. Cytogenetic location: 3p26.3.
Variant type: copy number gain.
Change: copy number 3 (three copies instead of two) of chr3:2,301,168-2,754,945 (453.8 kb, GRCh38 coordinates, 1-based), cytogenetic band 3p26.3.
Identifiers: ClinVar variation 57017 (VCV000057017.1).

ClinVar aggregate classification (germline): Uncertain significance (1 of 4 stars; one submission).

Submission:

ISCA site 4
Classification: Uncertain significance. Last evaluated: 2011-08-12. Review status: criteria provided, single submitter. Criteria: Kaminsky et al. (Genet Med. 2011). Collection method: clinical testing. Allele origin: paternal. Affected: yes. Observed: 1 variant allele.
Comment: Copy number variation identified through the course of routine clinical cytogenomic testing in postnatal populations. Clinical assertions have been curated as described in Kaminsky et al. 2011.